The following is an entry in ClinVar:

ClinVar aggregate classification (germline): Benign. Review status: criteria provided, multiple submitters, no conflicts (2 of 4 stars). 3 submissions from 3 submitters: Benign (2). 1 of the submissions does not count toward it. Last evaluated 2019-12-31.

Conditions:
TOP3B-related disorder. Also called: TOP3B-related condition.

Allele frequency attached by ClinVar (database versions not stated): ESP Exome Variant Server 0.00915; 1000 Genomes Project 30x 0.00984; gnomAD exomes 0.00067 and 0.00181; ExAC 0.00240; gnomAD 0.00706 and 0.00764; TOPMed 0.00803; 1000 Genomes Project 0.00899.
gnomAD v4.1: 2,112 of 1,613,914 alleles (0.13%); highest among the groups gnomAD compares: African/African-American, 2.5%; 24 homozygotes.

Submissions (3):

Labcorp Genetics (formerly Invitae), Labcorp
Classification: Benign. Last evaluated: 2019-12-31. Review status: criteria provided, single submitter. Criteria: Invitae Variant Classification Sherloc (09022015). Collection method: clinical testing. Allele origin: germline.

Breakthrough Genomics
Classification: Benign. Review status: criteria provided, single submitter. Criteria: ACMG Guidelines, 2015. Collection method: not provided. Allele origin: germline. Inheritance: Unknown mechanism. Affected: yes.

PreventionGenetics, part of Exact Sciences
Classification: Benign for TOP3B-related condition. Last evaluated: 2019-08-12. Review status: no assertion criteria provided. Collection method: clinical testing. Allele origin: germline. Not counted in ClinVar's aggregate classification.
Comment: This variant is classified as benign based on ACMG/AMP sequence variant interpretation guidelines (Richards et al. 2015 PMID: 25741868, with internal and published modifications).

NM_001282112.2(TOP3B):c.384+8T>C

Gene: TOP3B (DNA topoisomerase III beta; minus strand). Cytogenetic location: 22q11.22.
Variant type: single nucleotide variant.
Coding change: c.384+8T>C on transcript NM_001282112.2 (MANE Select); 8 bases into the intron after coding-DNA position 384, T replaced by C.
Molecular consequence: intron variant.
Genome position (GRCh38, 1-based): chr22:21,971,869, A>G on the plus strand (T>C on the coding strand, the complement: TOP3B is on the minus strand). VCF-style: chr22-21971869-A-G. GRCh37 (hg19) VCF-style: chr22-22326241-A-G.
Other names: c.384+8T>C (NM_001282113.2, NM_001349847.2, NM_001349845.2 and 1 more transcripts); c.-107+8T>C (NM_001349848.2, NM_001349851.2, NM_001349850.2 and 1 more transcripts).
Identifiers: ClinVar variation 777669 (VCV000777669.7), dbSNP rs112837531, ClinGen allele CA10125965.